The following is an entry in ClinVar:

NM_199054.3(MKNK2):c.1158C>T (p.Asn386=)

Gene: MKNK2 (MAPK interacting serine/threonine kinase 2; minus strand). Cytogenetic location: 19p13.3.
Variant type: single nucleotide variant.
Coding change: c.1158C>T on transcript NM_199054.3 (MANE Select); coding-DNA position 1158, C replaced by T.
Protein change: p.Asn386=; no amino-acid change (asparagine 386 retained).
Molecular consequence: synonymous variant. On other transcripts: intron variant (1).
Genome position (GRCh38, 1-based): chr19:2,039,853, G>A on the plus strand (C>T on the coding strand, the complement: MKNK2 is on the minus strand). VCF-style: chr19-2039853-G-A. GRCh37 (hg19) VCF-style: chr19-2039852-G-A.
Other names: c.1154+281C>T (NM_017572.4).
Identifiers: ClinVar variation 3772494 (VCV003772494.13).
Genomic context (GRCh38, chr19:2,039,853, plus strand): 5'-CAGCTGCCGGTTCATGGCAATGGCCTCAGCCGCGAAGGACGTGAGGTCTTTGGCACAGCT[G>A]TTCCTGGGAAACGGGGTGGGGGTAGGTGGTCACCAAGAGGCACCCCTCAGGGGACCCCTG-3'
Protein context (NP_951009.1, residues 376-396): TLPTPMVLQR[Asn386=]SCAKDLTSFA

ClinVar aggregate classification (germline): Likely benign (1 of 4 stars; one submission).

Submission:

CeGaT Center for Human Genetics Tuebingen
Classification: Likely benign. Last evaluated: 2025-02-01. Review status: criteria provided, single submitter. Criteria: CeGaT Center For Human Genetics Tuebingen Variant Classification Criteria Version 2. Collection method: clinical testing. Allele origin: germline. Affected: yes. Observed: 1 variant allele.
Comment: MKNK2: BP4, BP7